The following is an entry in ClinVar:

ClinVar aggregate classification (germline): Pathogenic. Review status: criteria provided, single submitter (1 of 4 stars). 2 submissions from 2 submitters: Pathogenic (1). 1 of the submissions does not count toward it. Last evaluated 2015-05-15.

Conditions:
Rhizomelic chondrodysplasia punctata type 5 (RCDP5). Identifiers: Orphanet 468717, MedGen C4225237, MONDO:0014743, OMIM 616716.
Rhizomelic chondrodysplasia punctata (RCDP). Identifiers: Orphanet 177, MedGen C0282529, MONDO:0015776. Disease mechanism: loss of function.

Submissions (2):

Department of Medical Genetics, Oslo University Hospital
Classification: Pathogenic for Rhizomelic chondrodysplasia punctata (mild). Last evaluated: 2015-05-15. Review status: criteria provided, single submitter. Criteria: Submitter's publication. Collection method: research. Allele origin: germline. Affected: yes. Observed: 4 homozygotes. Clinical features observed: growth delay, microcephaly, severe intellectual disability, epilepsy, skeletal abnormalities, including mild rhizomelic shortening of humeri, peripheral neuropathy, congenital cataracts, skeletal abnormalities, including chondrodysplasia punctata and mild rhizomelic shortening of humeri, bronchial asthma.
Comment: While previous mutations in PEX5 caused Zellweger spectrum disorder, this variant was shown to affect only the PEX5L isoform and resulted in a defect in the peroxisomal import of PTS2-tagged proteins only, thus resulting in mild RCDP.

OMIM
Classification: Pathogenic for RHIZOMELIC CHONDRODYSPLASIA PUNCTATA, TYPE 5. Last evaluated: 2015-07-28. Review status: no assertion criteria provided. Collection method: literature only. Allele origin: germline. Not counted in ClinVar's aggregate classification.

Literature cited by the submitters: PubMed 26220973 (cited by OMIM).

NM_001351132.2(PEX5):c.677dup (p.Val227fs)

Gene: PEX5 (peroxisomal biogenesis factor 5; plus strand). Cytogenetic location: 12p13.31.
Variant type: Duplication.
Coding change: c.677dup on transcript NM_001351132.2 (MANE Select); coding-DNA position 677, one base duplicated (A; older notation c.677dupA).
Protein change: p.Val227fs; shifts the reading frame from valine 227.
Molecular consequence: frameshift variant. On other transcripts: intron variant (15).
Genome position (GRCh38, 1-based): chr12:7,202,275, A duplicated. VCF-style (leftmost placement, unchanged base first): chr12-7202274-C-CA. GRCh37 (hg19) VCF-style: chr12-7354870-C-CA.
Other names: c.677dup, p.Val227fs (NM_000319.5, NM_001131025.2, NM_001131026.2 and 6 more transcripts); c.722dup, p.Val242fs (NM_001131023.2); c.643-337dup (NM_001351124.3, NM_001351126.2, NM_001374646.1 and 10 more transcripts); c.688-337dup (NM_001351135.3, NM_001351138.2); c.722dupA (NM_001131023.1); short protein forms V242fs, V227fs.
Identifiers: ClinVar variation 190410 (VCV000190410.2), dbSNP rs796051881, ClinGen allele CA249676.